The following is an entry in ClinVar:

ClinVar aggregate classification (germline): Likely benign (1 of 4 stars; one submission).

Submission:

CeGaT Center for Human Genetics Tuebingen
Classification: Likely benign. Last evaluated: 2022-12-01. Review status: criteria provided, single submitter. Criteria: CeGaT Center For Human Genetics Tuebingen Variant Classification Criteria Version 2. Collection method: clinical testing. Allele origin: germline. Affected: yes. Observed: 1 variant allele.
Comment: LAMA5: PM2:Supporting, BP4, BP7

NM_005560.6(LAMA5):c.753T>G (p.Arg251=)

Gene: LAMA5 (laminin subunit alpha 5; minus strand). Cytogenetic location: 20q13.33.
Variant type: single nucleotide variant.
Coding change: c.753T>G on transcript NM_005560.6 (MANE Select); coding-DNA position 753, T replaced by G.
Protein change: p.Arg251=; no amino-acid change (arginine 251 retained).
Molecular consequence: synonymous variant.
Genome position (GRCh38, 1-based): chr20:62,352,014, A>C on the plus strand (T>G on the coding strand, the complement: LAMA5 is on the minus strand). VCF-style: chr20-62352014-A-C. GRCh37 (hg19) VCF-style: chr20-60927070-A-C.
Identifiers: ClinVar variation 2652495 (VCV002652495.24), dbSNP rs2516253573, ClinGen allele CA511328404.
Genomic context (GRCh38, chr20:62,352,014, plus strand): 5'-GCCCAGCAGCGTGTTGGTACGCAGGAAGCGCAGGCGGACGTTGGTGGCCTTGGTGAACTC[A>C]CGTAGCAGCGGCGAGTAGGAGAAATTCATGGCGCCCGGACGTCCGTTCACCAGGGACACC-3'
Protein context (NP_005551.3, residues 241-261): AMNFSYSPLL[Arg251=]EFTKATNVRL